The following is an entry in ClinVar:

NM_004380.3(CREBBP):c.5723A>G (p.Gln1908Arg)

Gene: CREBBP (CREB binding protein; minus strand). Cytogenetic location: 16p13.3.
Variant type: single nucleotide variant.
Coding change: c.5723A>G on transcript NM_004380.3 (MANE Select); coding-DNA position 5723, A replaced by G.
Protein change: p.Gln1908Arg; replaces glutamine 1908 with arginine.
Molecular consequence: missense variant.
Genome position (GRCh38, 1-based): chr16:3,729,324, T>C on the plus strand (A>G on the coding strand, the complement: CREBBP is on the minus strand). VCF-style: chr16-3729324-T-C. GRCh37 (hg19) VCF-style: chr16-3779325-T-C.
Other names: c.5609A>G, p.Gln1870Arg (NM_001079846.1); short protein forms Q1870R, Q1908R.
Identifiers: ClinVar variation 3777373 (VCV003777373.1).

ClinVar aggregate classification (germline): Uncertain significance (1 of 4 stars; one submission).

Submission:

GeneDx
Classification: Uncertain significance. Last evaluated: 2024-10-13. Review status: criteria provided, single submitter. Criteria: GeneDx Variant Classification Process June 2021. Collection method: clinical testing. Allele origin: germline. Affected: yes.
Comment: Not observed at significant frequency in large population cohorts (gnomAD); In silico analysis supports that this missense variant has a deleterious effect on protein structure/function; Has not been previously published as pathogenic or benign to our knowledge